The following is an entry in ClinVar:

ClinVar aggregate classification (germline): Uncertain significance (1 of 4 stars; one submission).

Submission:

Mayo Clinic Laboratories, Mayo Clinic
Classification: Uncertain significance. Last evaluated: 2024-05-08. Review status: criteria provided, single submitter. Criteria: ACMG Guidelines, 2015. Collection method: clinical testing. Allele origin: germline. Observed: 1 variant allele.
Comment: PM2

NM_000404.4(GLB1):c.1135T>G (p.Leu379Val)

Gene: GLB1 (galactosidase beta 1; minus strand). Cytogenetic location: 3p22.3.
Variant type: single nucleotide variant.
Coding change: c.1135T>G on transcript NM_000404.4 (MANE Select); coding-DNA position 1135, T replaced by G.
Protein change: p.Leu379Val; replaces leucine 379 with valine.
Molecular consequence: missense variant.
Genome position (GRCh38, 1-based): chr3:33,024,259, A>C on the plus strand (T>G on the coding strand, the complement: GLB1 is on the minus strand). VCF-style: chr3-33024259-A-C. GRCh37 (hg19) VCF-style: chr3-33065751-A-C.
Other names: p.Leu379Val; c.1045T>G, p.Leu349Val (NM_001079811.3); c.742T>G, p.Leu248Val (NM_001135602.3); c.1279T>G, p.Leu427Val (NM_001317040.2); c.1135T>G, p.Leu379Val (NM_001393580.1); short protein forms L248V, L349V, L379V, L427V.
Identifiers: ClinVar variation 3379448 (VCV003379448.1).